The following is an entry in ClinVar:

NM_002382.5(MAX):c.432T>C (p.Ser144=)

Gene: MAX (MYC associated transcriptional regulator X; minus strand). Cytogenetic location: 14q23.3.
Variant type: single nucleotide variant.
Coding change: c.432T>C on transcript NM_002382.5 (MANE Select); coding-DNA position 432, T replaced by C.
Protein change: p.Ser144=; no amino-acid change (serine 144 retained).
Molecular consequence: synonymous variant. On other transcripts: 3 prime UTR variant (12), non-coding transcript variant (7), intron variant (2).
Genome position (GRCh38, 1-based): chr14:65,076,527, A>G on the plus strand (T>C on the coding strand, the complement: MAX is on the minus strand). VCF-style: chr14-65076527-A-G. GRCh37 (hg19) VCF-style: chr14-65543245-A-G.
Other names: c.243T>C, p.Ser81= (NM_001320415.2, NM_001407105.1, NM_001407106.1 and 1 more transcripts); c.432T>C, p.Ser144= (NM_001407094.1); c.405T>C, p.Ser135= (NM_001407095.1, NM_145112.3); c.*205T>C (NM_001407096.1, NM_001407099.1, NM_001407102.1 and 2 more transcripts); c.*221T>C (NM_001407097.1, NM_001407100.1, NM_001407101.1 and 4 more transcripts); c.324T>C, p.Ser108= (NM_001407098.1); c.231T>C, p.Ser77= (NM_001407111.1, NM_001407112.1); c.144+17181T>C (NM_001271069.2); and 1 more.
Identifiers: ClinVar variation 1589933 (VCV001589933.25), dbSNP rs1485899939, ClinGen allele CA390031365.

ClinVar aggregate classification (germline): Likely benign. Review status: criteria provided, multiple submitters, no conflicts (2 of 4 stars). 4 submissions from 4 submitters: Likely benign (4). Last evaluated 2025-04-01.

Conditions:
Hereditary cancer-predisposing syndrome. Also called: Neoplastic Syndromes, Hereditary; Hereditary neoplastic syndrome; Tumor predisposition; Hereditary Cancer Syndrome. Identifiers: Orphanet 140162, MedGen C0027672, MeSH D009386, MONDO:0015356.
Hereditary pheochromocytoma and paraganglioma. Also called: Hereditary pheochromocytoma-paraganglioma; Hereditary paragangliomas and pheochromocytomas; Hereditary Paraganglioma-Pheochromocytoma Syndromes. Identifiers: Orphanet 29072, MedGen C4274332, MONDO:0017366.

Allele frequency attached by ClinVar (database versions not stated): gnomAD exomes below 0.00001 and 0.00001.
gnomAD v4.1: 3 of 1,614,054 alleles (0.00019%); highest among the groups gnomAD compares: South Asian, 0.0022%; no homozygotes.

Submissions (4):

CeGaT Center for Human Genetics Tuebingen
Classification: Likely benign. Last evaluated: 2025-04-01. Review status: criteria provided, single submitter. Criteria: CeGaT Center For Human Genetics Tuebingen Variant Classification Criteria Version 2. Collection method: clinical testing. Allele origin: germline. Affected: yes. Observed: 2 variant alleles.
Comment: MAX: BP4, BP7

Labcorp Genetics (formerly Invitae), Labcorp
Classification: Likely benign for Hereditary pheochromocytoma and paraganglioma. Last evaluated: 2023-05-13. Review status: criteria provided, single submitter. Criteria: Invitae Variant Classification Sherloc (09022015). Collection method: clinical testing. Allele origin: germline.

Sema4
Classification: Likely benign for Hereditary cancer-predisposing syndrome. Last evaluated: 2020-07-21. Review status: criteria provided, single submitter. Criteria: Sema4 Curation Guidelines. Collection method: curation. Allele origin: germline.

Ambry Genetics
Classification: Likely benign for Hereditary cancer-predisposing syndrome. Last evaluated: 2019-08-30. Review status: criteria provided, single submitter. Criteria: Ambry Variant Classification Scheme 2023. Collection method: clinical testing. Allele origin: germline.